The following is an entry in ClinVar:

ClinVar aggregate classification (germline): Likely benign (0 of 4 stars; one submission).

Conditions:
SLC51A-related disorder. Also called: SLC51A-related condition.

Allele frequency attached by ClinVar (database versions not stated): gnomAD 0.00001; TOPMed 0.00001.
gnomAD v4.1: 7 of 1,610,972 alleles (0.00043%); highest among the groups gnomAD compares: Admixed American, 0.01%; no homozygotes.

Submission:

PreventionGenetics, part of Exact Sciences
Classification: Likely benign for SLC51A-related condition. Last evaluated: 2021-11-19. Review status: no assertion criteria provided. Collection method: clinical testing. Allele origin: germline.
Comment: This variant is classified as likely benign based on ACMG/AMP sequence variant interpretation guidelines (Richards et al. 2015 PMID: 25741868, with internal and published modifications).

NM_152672.6(SLC51A):c.363-9C>T

Gene: SLC51A (solute carrier family 51 member A; plus strand). Cytogenetic location: 3q29.
Variant type: single nucleotide variant.
Coding change: c.363-9C>T on transcript NM_152672.6 (MANE Select); 9 bases into the intron before coding-DNA position 363, C replaced by T.
Molecular consequence: intron variant.
Genome position (GRCh38, 1-based): chr3:196,228,106, C>T. VCF-style: chr3-196228106-C-T. GRCh37 (hg19) VCF-style: chr3-195954977-C-T.
Identifiers: ClinVar variation 3036660 (VCV003036660.2), dbSNP rs781144406, ClinGen allele CA2779081.